The following is an entry in ClinVar:

NM_004304.5(ALK):c.149A>C (p.Gln50Pro)

Gene: ALK (ALK receptor tyrosine kinase; minus strand). Cytogenetic location: 2p23.1.
Variant type: single nucleotide variant.
Coding change: c.149A>C on transcript NM_004304.5 (MANE Select); coding-DNA position 149, A replaced by C.
Protein change: p.Gln50Pro; replaces glutamine 50 with proline.
Molecular consequence: missense variant.
Genome position (GRCh38, 1-based): chr2:29,920,511, T>G on the plus strand (A>C on the coding strand, the complement: ALK is on the minus strand). VCF-style: chr2-29920511-T-G. GRCh37 (hg19) VCF-style: chr2-30143377-T-G.
Other names: short protein forms Q50P.
Identifiers: ClinVar variation 4749039 (VCV004749039.1).

ClinVar aggregate classification (germline): Uncertain significance (1 of 4 stars; one submission).

Conditions:
Neuroblastoma, susceptibility to, 3. Also called: ALK-Related Neuroblastic Tumor Susceptibility. Identifiers: Orphanet 635, MedGen C2751681, MONDO:0013083, OMIM 613014.

Submission:

Labcorp Genetics (formerly Invitae), Labcorp
Classification: Uncertain significance for Neuroblastoma, susceptibility to, 3. Last evaluated: 2025-09-10. Review status: criteria provided, single submitter. Criteria: Invitae Variant Classification Sherloc (09022015). Collection method: clinical testing. Allele origin: germline.
Comment: This sequence change replaces glutamine, which is neutral and polar, with proline, which is neutral and non-polar, at codon 50 of the ALK protein (p.Gln50Pro). This variant is not present in population databases (gnomAD no frequency). This variant has not been reported in the literature in individuals affected with ALK-related conditions. An algorithm developed to predict the effect of missense changes on protein structure and function (PolyPhen-2) suggests that this variant is likely to be disruptive. In summary, the available evidence is currently insufficient to determine the role of this variant in disease. Therefore, it has been classified as a Variant of Uncertain Significance.